The following is an entry in ClinVar:

ClinVar aggregate classification (germline): Uncertain significance. Review status: criteria provided, multiple submitters, no conflicts (2 of 4 stars). 2 submissions from 2 submitters: Uncertain significance (2). Last evaluated 2023-12-10.

Conditions:
Hyper-IgE recurrent infection syndrome 1, autosomal dominant. Also called: JOB SYNDROME; Job's Syndrome; STAT3 Hyper IgE Syndrome; HYPER-IgE SYNDROME 1, AUTOSOMAL DOMINANT, WITH RECURRENT INFECTIONS; Hyper-IgE recurrent infection syndrome 1. Identifiers: Orphanet 2314, MedGen C2936739, MONDO:0007818, OMIM 147060.
STAT3 gain of function. Identifiers: MedGen C4288261.

Submissions (2):

Labcorp Genetics (formerly Invitae), Labcorp
Classification: Uncertain significance for STAT3 gain of function; Hyper-IgE recurrent infection syndrome 1, autosomal dominant. Last evaluated: 2023-12-10. Review status: criteria provided, single submitter. Criteria: Invitae Variant Classification Sherloc (09022015). Collection method: clinical testing. Allele origin: germline.
Comment: This sequence change replaces glutamine, which is neutral and polar, with histidine, which is basic and polar, at codon 635 of the STAT3 protein (p.Gln635His). This variant is not present in population databases (gnomAD no frequency). This variant has not been reported in the literature in individuals affected with STAT3-related conditions. ClinVar contains an entry for this variant (Variation ID: 654079). Advanced modeling of protein sequence and biophysical properties (such as structural, functional, and spatial information, amino acid conservation, physicochemical variation, residue mobility, and thermodynamic stability) performed at Invitae indicates that this missense variant is not expected to disrupt STAT3 protein function with a negative predictive value of 95%. In summary, the available evidence is currently insufficient to determine the role of this variant in disease. Therefore, it has been classified as a Variant of Uncertain Significance.

Blueprint Genetics
Classification: Uncertain significance. Last evaluated: 2023-09-14. Review status: criteria provided, single submitter. Criteria: ACMG Guidelines, 2015. Collection method: clinical testing. Allele origin: germline.

NM_139276.3(STAT3):c.1905G>C (p.Gln635His)

Gene: STAT3 (signal transducer and activator of transcription 3; minus strand). Cytogenetic location: 17q21.2.
Variant type: single nucleotide variant.
Coding change: c.1905G>C on transcript NM_139276.3 (MANE Select); coding-DNA position 1905, G replaced by C.
Protein change: p.Gln635His; replaces glutamine 635 with histidine.
Molecular consequence: missense variant.
Genome position (GRCh38, 1-based): chr17:42,322,478, C>G on the plus strand (G>C on the coding strand, the complement: STAT3 is on the minus strand). VCF-style: chr17-42322478-C-G. GRCh37 (hg19) VCF-style: chr17-40474496-C-G.
Other names: c.1905G>C, p.Gln635His (NM_001369512.1, NM_001369513.1, NM_001369514.1 and 9 more transcripts); c.1821G>C, p.Gln607His (NM_001384984.1); c.1827G>C, p.Gln609His (NM_001384985.1); c.1920G>C, p.Gln640His (NM_001384986.1, NM_001384990.1); c.1884G>C, p.Gln628His (NM_001384987.1); c.1809G>C, p.Gln603His (NM_001384989.1); c.1878G>C, p.Gln626His (NM_001384991.1); c.1845G>C, p.Gln615His (NM_001384992.1); short protein forms Q635H, Q603H, Q607H, Q609H, Q615H, Q626H, Q628H, Q640H.
Identifiers: ClinVar variation 654079 (VCV000654079.10), dbSNP rs1598392123, ClinGen allele CA399582514.